The following is an entry in ClinVar:

NM_001371623.1(TCOF1):c.517A>G (p.Thr173Ala)

Gene: TCOF1 (treacle ribosome biogenesis factor 1; plus strand). Cytogenetic location: 5q32.
Variant type: single nucleotide variant.
Coding change: c.517A>G on transcript NM_001371623.1 (MANE Select); coding-DNA position 517, A replaced by G.
Protein change: p.Thr173Ala; replaces threonine 173 with alanine.
Molecular consequence: missense variant.
Genome position (GRCh38, 1-based): chr5:150,368,854, A>G. VCF-style: chr5-150368854-A-G. GRCh37 (hg19) VCF-style: chr5-149748417-A-G.
Other names: c.517A>G, p.Thr173Ala (NM_000356.4, NM_001008657.3, NM_001135243.2 and 3 more transcripts); short protein forms T173A.
Identifiers: ClinVar variation 1676382 (VCV001676382.2), dbSNP rs2150556734, ClinGen allele CA361735525.
Genomic context (GRCh38, chr5:150,368,854, plus strand): 5'-TCTGGGAAGTCTCCCAGGAAGTCAGCAGAGCCCTCAGCAAATACTACGTTGGTCTCAGAA[A>G]CTGAGGAGGAGGGCAGCGTCCCGGCCTTTGGAGCTGCTGCCAAGCCTGGTAAGAAGTCCC-3'
Protein context (NP_001358552.1, residues 163-183): PSANTTLVSE[Thr173Ala]EEEGSVPAFG

ClinVar aggregate classification (germline): Uncertain significance (1 of 4 stars; one submission).

Submission:

GeneDx
Classification: Uncertain significance. Last evaluated: 2022-04-11. Review status: criteria provided, single submitter. Criteria: GeneDx Variant Classification Process June 2021. Collection method: clinical testing. Allele origin: germline. Affected: yes.
Comment: Not observed in large population cohorts (gnomAD); In silico analysis supports that this missense variant has a deleterious effect on protein structure/function; Has not been previously published as pathogenic or benign to our knowledge